The following is an entry in ClinVar:

ClinVar aggregate classification (germline): Likely benign. Review status: criteria provided, multiple submitters, no conflicts (2 of 4 stars). 3 submissions from 3 submitters: Likely benign (3). Last evaluated 2025-10-01.

Conditions:
FMN2-related disorder. Also called: FMN2-related condition.

Allele frequency attached by ClinVar (database versions not stated): ESP Exome Variant Server 0.00108; gnomAD 0.00113.

Submissions (3):

CeGaT Center for Human Genetics Tuebingen
Classification: Likely benign. Last evaluated: 2025-10-01. Review status: criteria provided, single submitter. Criteria: CeGaT Center For Human Genetics Tuebingen Variant Classification Criteria Version 2. Collection method: clinical testing. Allele origin: germline. Affected: yes. Observed: 2 variant alleles.
Comment: FMN2: BP4, BP7

Blueprint Genetics
Classification: Likely benign. Last evaluated: 2024-11-25. Review status: criteria provided, single submitter. Criteria: ACMG Guidelines, 2015. Collection method: clinical testing. Allele origin: germline.

PreventionGenetics, part of Exact Sciences
Classification: Likely benign for FMN2-related condition. Last evaluated: 2019-10-31. Review status: criteria provided, single submitter. Criteria: ACMG Guidelines, 2015. Collection method: clinical testing. Allele origin: germline.
Comment: This variant is classified as likely benign based on ACMG/AMP sequence variant interpretation guidelines (Richards et al. 2015 PMID: 25741868, with internal and published modifications).

NM_020066.5(FMN2):c.2862C>T (p.Pro954=)

Gene: FMN2 (formin 2; plus strand). Cytogenetic location: 1q43.
Variant type: single nucleotide variant.
Coding change: c.2862C>T on transcript NM_020066.5 (MANE Select); coding-DNA position 2862, C replaced by T.
Protein change: p.Pro954=; no amino-acid change (proline 954 retained).
Molecular consequence: synonymous variant. On other transcripts: intron variant (1).
Genome position (GRCh38, 1-based): chr1:240,207,674, C>T. VCF-style: chr1-240207674-C-T. GRCh37 (hg19) VCF-style: chr1-240370974-C-T.
Other names: c.2874C>T, p.Pro958= (NM_001305424.2); c.1986+19412C>T (NM_001348094.2).
Identifiers: ClinVar variation 3040395 (VCV003040395.10), dbSNP rs142178619, ClinGen allele CA1476825.